The following is an entry in ClinVar:

NM_001079802.2(FKTN):c.1337A>G (p.Asn446Ser)

Gene: FKTN (fukutin; plus strand). Cytogenetic location: 9q31.2.
Variant type: single nucleotide variant.
Coding change: c.1337A>G on transcript NM_001079802.2 (MANE Select); coding-DNA position 1337, A replaced by G.
Protein change: p.Asn446Ser; replaces asparagine 446 with serine.
Molecular consequence: missense variant. On other transcripts: 3 prime UTR variant (1), non-coding transcript variant (2), intron variant (1).
Genome position (GRCh38, 1-based): chr9:105,635,215, A>G. VCF-style: chr9-105635215-A-G. GRCh37 (hg19) VCF-style: chr9-108397496-A-G.
Other names: c.1337A>G, p.Asn446Ser (NM_001351496.2, NM_006731.2); c.1268A>G, p.Asn423Ser (NM_001351497.2); c.*129A>G (NM_001351498.2); c.941A>G, p.Asn314Ser (NM_001351499.2, NM_001351500.2, NM_001351501.2 and 1 more transcripts); c.1270+67A>G (NM_001198963.2); short protein forms N446S, N314S, N423S.
Identifiers: ClinVar variation 499551 (VCV000499551.24), dbSNP rs374912618, ClinGen allele CA5170614.

ClinVar aggregate classification (germline): Conflicting classifications of pathogenicity. Review status: criteria provided, conflicting classifications (1 of 4 stars). 8 submissions from 8 submitters: Uncertain significance (6); Likely benign (1). 1 of the submissions does not count toward it. Last evaluated 2026-09-08.

Conditions:
Dilated cardiomyopathy 1X (CMD1X). Also called: FKTN-Related Dilated Cardiomyopathy; CARDIOMYOPATHY, DILATED, WITH MILD OR NO PROXIMAL MUSCLE WEAKNESS. Identifiers: Orphanet 154, MedGen C1969024, MONDO:0012704, OMIM 611615.
Muscular dystrophy-dystroglycanopathy (congenital with brain and eye anomalies), type A, 4 (MDDGA4). Also called: Walker-Warburg Syndrome, Fktn-Related; Muscular dystrophy, congenital progressive, with mental retardation; Muscular dystrophy, congenital, with central nervous system involvement; Cerebromuscular dystrophy, Fukuyama type; Fukuyama congenital muscular dystrophy; Congenital muscular dystrophy-dystroglycanopathy with brain and eye anomalies, type A4. Identifiers: Orphanet 272, Orphanet 588, Orphanet 899, MedGen C0410174, MONDO:0009678, OMIM 253800.
Muscular dystrophy-dystroglycanopathy (congenital with brain and eye anomalies), type A1 (MDDGA1). Also called: COD-MD SYNDROME; Muscular dystrophy-dystroglycanopathy (congenital with brain and eye anomalies), type A, 1; WALKER-WARBURG SYNDROME OR MUSCLE-EYE-BRAIN DISEASE, POMT1-RELATED; Hydrocephalus, agyria and retinal dysplasia; Hard +/- E syndrome; Warburg syndrome. Identifiers: Orphanet 588, Orphanet 899, MedGen C4284790, MONDO:0009364, OMIM 236670.
Autosomal recessive limb-girdle muscular dystrophy type 2M. Also called: MUSCULAR DYSTROPHY-DYSTROGLYCANOPATHY (LIMB-GIRDLE), TYPE C, 4; MUSCULAR DYSTROPHY, LIMB-GIRDLE, TYPE 2M. Identifiers: Orphanet 206554, MedGen C1969040, MONDO:0012699, OMIM 611588.
Muscular dystrophy-dystroglycanopathy (congenital without impaired intellectual development), type B, 4. Also called: Muscular dystrophy-dystroglycanopathy (congenital without intellectual disability), type B4; MUSCULAR DYSTROPHY, CONGENITAL, FKTN-RELATED. Identifiers: MedGen C2751052, MONDO:0013156, OMIM 613152.
Cardiovascular phenotype. Identifiers: MedGen CN230736.
Walker-Warburg congenital muscular dystrophy. Also called: Muscular dystrophy-dystroglycanopathy, type A; Walker-Warburg syndrome. Identifiers: Orphanet 899, MedGen C0265221, MONDO:0000171.

Allele frequency attached by ClinVar (database versions not stated): ESP Exome Variant Server 0.00008; TOPMed 0.00021; gnomAD 0.00013.

Submissions (8):

GeneDx
Classification: Uncertain significance. Last evaluated: 2026-09-08. Review status: criteria provided, single submitter. Criteria: GeneDx Variant Classification Process June 2021. Collection method: clinical testing. Allele origin: germline.
Comment: In silico analysis supports that this missense variant has a deleterious effect on protein structure/function; Has not been previously published as pathogenic or benign to our knowledge

Molecular Diagnostic Laboratory for Inherited Cardiovascular Disease, Montreal Heart Institute
Classification: Uncertain significance for Cardiovascular phenotype. Last evaluated: 2025-04-09. Review status: criteria provided, single submitter. Criteria: ACMG Guidelines, 2015. Collection method: clinical testing. Allele origin: germline. Affected: yes.

Ambry Genetics
Classification: Likely benign for Cardiovascular phenotype. Last evaluated: 2024-12-16. Review status: criteria provided, single submitter. Criteria: Ambry Variant Classification Scheme 2023. Collection method: clinical testing. Allele origin: germline.

Labcorp Genetics (formerly Invitae), Labcorp
Classification: Uncertain significance for Walker-Warburg congenital muscular dystrophy. Last evaluated: 2022-07-19. Review status: criteria provided, single submitter. Criteria: Invitae Variant Classification Sherloc (09022015). Collection method: clinical testing. Allele origin: germline.
Comment: This sequence change replaces asparagine, which is neutral and polar, with serine, which is neutral and polar, at codon 446 of the FKTN protein (p.Asn446Ser). This variant is present in population databases (rs374912618, gnomAD 0.04%). This variant has not been reported in the literature in individuals affected with FKTN-related conditions. ClinVar contains an entry for this variant (Variation ID: 499551). Algorithms developed to predict the effect of missense changes on protein structure and function are either unavailable or do not agree on the potential impact of this missense change (SIFT: "Deleterious"; PolyPhen-2: "Benign"; Align-GVGD: "Class C0"). Algorithms developed to predict the effect of sequence changes on RNA splicing suggest that this variant may create or strengthen a splice site. In summary, the available evidence is currently insufficient to determine the role of this variant in disease. Therefore, it has been classified as a Variant of Uncertain Significance.

Fulgent Genetics
Classification: Uncertain significance for Muscular dystrophy-dystroglycanopathy (congenital with brain and eye anomalies), type A1; Muscular dystrophy-dystroglycanopathy (congenital with brain and eye anomalies), type A, 4; Autosomal recessive limb-girdle muscular dystrophy type 2M; Dilated cardiomyopathy 1X; Muscular dystrophy-dystroglycanopathy (congenital without impaired intellectual development), type B, 4. Last evaluated: 2021-08-20. Review status: criteria provided, single submitter. Criteria: ACMG Guidelines, 2015. Collection method: clinical testing. Allele origin: unknown.

Revvity Omics, Revvity
Classification: Uncertain significance. Last evaluated: 2020-05-04. Review status: criteria provided, single submitter. Criteria: ACMG Guidelines, 2015. Collection method: clinical testing. Allele origin: germline.

Eurofins Ntd Llc (ga)
Classification: Uncertain significance. Last evaluated: 2017-01-18. Review status: criteria provided, single submitter. Criteria: EGL Classification Definitions 2015. Collection method: clinical testing. Allele origin: germline. Observed: 1 variant allele, 1 heterozygote.

Natera, Inc.
Classification: Uncertain significance for Walker-Warburg congenital muscular dystrophy. Last evaluated: 2020-07-02. Review status: no assertion criteria provided. Collection method: clinical testing. Allele origin: germline. Not counted in ClinVar's aggregate classification.